The following is an entry in ClinVar:

ClinVar aggregate classification (germline): Uncertain significance. Review status: criteria provided, multiple submitters, no conflicts (2 of 4 stars). 2 submissions from 2 submitters: Uncertain significance (2). Last evaluated 2025-08-26.

Conditions:
SLC4A11-related disorder. Also called: SLC4A11-related condition.
Inborn genetic diseases. Identifiers: MedGen C0950123, MeSH D030342.

Allele frequency attached by ClinVar (database versions not stated): ExAC 0.00002; gnomAD 0.00004; gnomAD exomes 0.00004; TOPMed 0.00006; ESP Exome Variant Server 0.00008.
gnomAD v4.1: 58 of 1,613,806 alleles (0.0036%); highest among the groups gnomAD compares: Non-Finnish European, 0.0047%; no homozygotes.

Submissions (2):

PreventionGenetics, part of Exact Sciences
Classification: Uncertain significance for SLC4A11-related condition. Last evaluated: 2025-08-26. Review status: criteria provided, single submitter. Criteria: ACMG Guidelines, 2015. Collection method: clinical testing. Allele origin: germline.
Comment: The SLC4A11 c.2189G>A variant is predicted to result in the amino acid substitution p.Arg730Gln. To our knowledge, this variant has not been reported in the literature. This variant is reported in 0.0062% of alleles in individuals of European (Non-Finnish) descent in gnomAD. At this time, the clinical significance of this variant is uncertain due to the absence of conclusive functional and genetic evidence.

Ambry Genetics
Classification: Uncertain significance for Inborn genetic diseases. Last evaluated: 2023-07-12. Review status: criteria provided, single submitter. Criteria: Ambry Variant Classification Scheme 2023. Collection method: clinical testing. Allele origin: germline.

NM_001174089.2(SLC4A11):c.2141G>A (p.Arg714Gln)

Gene: SLC4A11 (solute carrier family 4 member 11; minus strand). Cytogenetic location: 20p13.
Variant type: single nucleotide variant.
Coding change: c.2141G>A on transcript NM_001174089.2 (MANE Select); coding-DNA position 2141, G replaced by A.
Protein change: p.Arg714Gln; replaces arginine 714 with glutamine.
Molecular consequence: missense variant. On other transcripts: non-coding transcript variant (3).
Genome position (GRCh38, 1-based): chr20:3,228,889, C>T on the plus strand (G>A on the coding strand, the complement: SLC4A11 is on the minus strand). VCF-style: chr20-3228889-C-T. GRCh37 (hg19) VCF-style: chr20-3209535-C-T.
Other names: c.2270G>A, p.Arg757Gln (NM_001174090.2); c.2027G>A, p.Arg676Gln (NM_001363745.2); c.2084G>A, p.Arg695Gln (NM_001400277.1, NM_001400278.1, NM_001400279.1); c.2156G>A, p.Arg719Gln (NM_001400280.1); c.2189G>A, p.Arg730Gln (NM_032034.4); short protein forms R719Q, R757Q, R714Q, R730Q, R676Q, R695Q.
Identifiers: ClinVar variation 2599975 (VCV002599975.3), dbSNP rs376940594, ClinGen allele CA9741578.